The following is an entry in ClinVar:

NM_000264.5(PTCH1):c.1874T>C (p.Val625Ala)

Genes: PTCH1 (patched 1; minus strand), LOC100507346 (uncharacterized LOC100507346; plus strand). Cytogenetic location: 9q22.32.
Variant type: single nucleotide variant.
Coding change: c.1874T>C on transcript NM_000264.5 (MANE Select); coding-DNA position 1874, T replaced by C.
Protein change: p.Val625Ala; replaces valine 625 with alanine.
Molecular consequence: missense variant. On other transcripts: non-coding transcript variant (2).
Genome position (GRCh38, 1-based): chr9:95,469,127, A>G on the plus strand (T>C on the coding strand, the complement: PTCH1 is on the minus strand). VCF-style: chr9-95469127-A-G. GRCh37 (hg19) VCF-style: chr9-98231409-A-G.
Other names: c.1676T>C, p.Val559Ala (NM_001083602.3); c.1871T>C, p.Val624Ala (NM_001083603.3); c.1421T>C, p.Val474Ala (NM_001083604.3, NM_001083605.3, NM_001083606.3 and 1 more transcripts); c.1718T>C, p.Val573Ala (NM_001354918.2); short protein forms V474A, V559A, V573A, V624A, V625A.
Identifiers: ClinVar variation 3620592 (VCV003620592.2).

ClinVar aggregate classification (germline): Uncertain significance (1 of 4 stars; one submission).

Conditions:
Gorlin syndrome. Also called: Basal cell nevus syndrome; Nevoid Basal Cell Carcinoma Syndrome. Identifiers: Orphanet 377, MedGen C0004779, MONDO:0007187.

Submission:

Labcorp Genetics (formerly Invitae), Labcorp
Classification: Uncertain significance for Gorlin syndrome. Last evaluated: 2025-01-22. Review status: criteria provided, single submitter. Criteria: Invitae Variant Classification Sherloc (09022015). Collection method: clinical testing. Allele origin: germline.
Comment: This sequence change replaces valine, which is neutral and non-polar, with alanine, which is neutral and non-polar, at codon 625 of the PTCH1 protein (p.Val625Ala). This variant is not present in population databases (gnomAD no frequency). This variant has not been reported in the literature in individuals affected with PTCH1-related conditions. Invitae Evidence Modeling of protein sequence and biophysical properties (such as structural, functional, and spatial information, amino acid conservation, physicochemical variation, residue mobility, and thermodynamic stability) indicates that this missense variant is not expected to disrupt PTCH1 protein function with a negative predictive value of 95%. In summary, the available evidence is currently insufficient to determine the role of this variant in disease. Therefore, it has been classified as a Variant of Uncertain Significance.